The following is an entry in ClinVar:

NM_004304.5(ALK):c.2798del (p.Gly933fs)

Gene: ALK (ALK receptor tyrosine kinase; minus strand). Cytogenetic location: 2p23.2.
Variant type: Deletion.
Coding change: c.2798del on transcript NM_004304.5 (MANE Select); coding-DNA position 2798, one base deleted (G; older notation c.2798delG).
Protein change: p.Gly933fs; shifts the reading frame from glycine 933.
Molecular consequence: frameshift variant.
Genome position (GRCh38, 1-based): chr2:29,228,901, C deleted on the plus strand (G on the coding strand, the reverse complement: ALK is on the minus strand); the first of 2 consecutive C bases (chr2:29,228,901-29,228,902); deleting either gives the same sequence. VCF-style (leftmost placement, unchanged base first): chr2-29228900-TC-T. GRCh37 (hg19) VCF-style: chr2-29451766-TC-T.
Other names: short protein forms G933fs.
Identifiers: ClinVar variation 960099 (VCV000960099.7), dbSNP rs1664095457, ClinGen allele CA1139656837.

ClinVar aggregate classification (germline): Uncertain significance (1 of 4 stars; one submission).

Conditions:
Neuroblastoma, susceptibility to, 3. Also called: ALK-Related Neuroblastic Tumor Susceptibility. Identifiers: Orphanet 635, MedGen C2751681, MONDO:0013083, OMIM 613014.

Submission:

Labcorp Genetics (formerly Invitae), Labcorp
Classification: Uncertain significance for Neuroblastoma, susceptibility to, 3. Last evaluated: 2019-07-17. Review status: criteria provided, single submitter. Criteria: Invitae Variant Classification Sherloc (09022015). Collection method: clinical testing. Allele origin: germline.
Comment: This variant is not present in population databases (ExAC no frequency). In summary, the available evidence is currently insufficient to determine the role of this variant in disease. Therefore, it has been classified as a Variant of Uncertain Significance. The current clinical and genetic evidence is not sufficient to establish whether loss-of-function variants in ALK cause disease. This variant has not been reported in the literature in individuals with ALK-related conditions. This sequence change creates a premature translational stop signal (p.Gly933Glufs*6) in the ALK gene. It is expected to result in an absent or disrupted protein product.